The following is an entry in ClinVar:

NM_000350.3(ABCA4):c.4519G>T (p.Gly1507Trp)

Gene: ABCA4 (ATP binding cassette subfamily A member 4; minus strand). Cytogenetic location: 1p22.1.
Variant type: single nucleotide variant.
Coding change: c.4519G>T on transcript NM_000350.3 (MANE Select); coding-DNA position 4519, G replaced by T.
Protein change: p.Gly1507Trp; replaces glycine 1507 with tryptophan.
Molecular consequence: missense variant.
Genome position (GRCh38, 1-based): chr1:94,029,465, C>A on the plus strand (G>T on the coding strand, the complement: ABCA4 is on the minus strand). VCF-style: chr1-94029465-C-A. GRCh37 (hg19) VCF-style: chr1-94495021-C-A.
Other names: c.4297G>T, p.Gly1433Trp (NM_001425324.1); short protein forms G1507W, G1433W.
Identifiers: ClinVar variation 1284272 (VCV001284272.10), dbSNP rs568792949, ClinGen allele CA957591.

ClinVar aggregate classification (germline): Pathogenic/Likely pathogenic. Review status: criteria provided, multiple submitters, no conflicts (2 of 4 stars). 6 submissions from 6 submitters: Pathogenic (1); Likely pathogenic (3). 2 of the submissions do not count toward it. Last evaluated 2025-12-17.

Conditions:
ABCA4-related disorder. Also called: ABCA4-related condition; ABCA4-related disorders. Identifiers: MedGen CN239167.

gnomAD v4.1: 7 of 1,561,380 alleles (0.00045%); highest among the groups gnomAD compares: Non-Finnish European, 0.00052%; no homozygotes.

Submissions (6):

PreventionGenetics, part of Exact Sciences
Classification: Likely pathogenic for ABCA4-related condition. Last evaluated: 2025-12-17. Review status: criteria provided, single submitter. Criteria: ACMG Guidelines, 2015. Collection method: clinical testing. Allele origin: germline.
Comment: The ABCA4 c.4519G>T variant is predicted to result in the amino acid substitution p.Gly1507Trp. This variant has been reported along with a second ABCA4 variant in an individual with late-onset Stargardt disease (Westeneng-van Haaften et al. 2012. PubMed ID: 22449572). An alternate substitution of this amino acid residue (p.Gly1507Arg) has been reported in many individuals with retinal disease (see for example: Table S1, Lin et al. 2024. PubMed ID: 38219857). This variant is absent in the large population database gnomAD, indicating it is rare. This variant is predicted to be damaging to the encoded protein (Liu et al. 2016. PMID: 26555599). Given the evidence, we interpret this variant as likely pathogenic.

Labcorp Genetics (formerly Invitae), Labcorp
Classification: Pathogenic. Last evaluated: 2025-09-29. Review status: criteria provided, single submitter. Criteria: Invitae Variant Classification Sherloc (09022015). Collection method: clinical testing. Allele origin: germline.
Comment: This sequence change replaces glycine, which is neutral and non-polar, with tryptophan, which is neutral and slightly polar, at codon 1507 of the ABCA4 protein (p.Gly1507Trp). This variant is not present in population databases (gnomAD no frequency). This missense change has been observed in individual(s) with Stargardt disease (PMID: 22449572). ClinVar contains an entry for this variant (Variation ID: 1284272). Invitae Evidence Modeling of protein sequence and biophysical properties (such as structural, functional, and spatial information, amino acid conservation, physicochemical variation, residue mobility, and thermodynamic stability) indicates that this missense variant is expected to disrupt ABCA4 protein function with a positive predictive value of 95%. This variant disrupts the p.Gly1507 amino acid residue in ABCA4. Other variant(s) that disrupt this residue have been determined to be pathogenic (PMID: 23499370, 26593885, 27030965, 28041643). This suggests that this residue is clinically significant, and that variants that disrupt this residue are likely to be disease-causing. For these reasons, this variant has been classified as Pathogenic.

Blueprint Genetics
Classification: Likely pathogenic for ABCA4-related disorders. Last evaluated: 2022-09-01. Review status: criteria provided, single submitter. Criteria: ACMG Guidelines, 2015. Collection method: clinical testing. Allele origin: germline. Affected: yes. Observed: 2 variant alleles.

GeneDx
Classification: Likely pathogenic. Last evaluated: 2022-08-08. Review status: criteria provided, single submitter. Criteria: GeneDx Variant Classification Process June 2021. Collection method: clinical testing. Allele origin: germline. Affected: yes.
Comment: Not observed at significant frequency in large population cohorts (gnomAD); In silico analysis supports that this missense variant has a deleterious effect on protein structure/function; This variant is associated with the following publications: (PMID: 22449572)

Clinical Genetics, Academic Medical Center
Classification: Uncertain significance. Review status: no assertion criteria provided. Collection method: clinical testing. Allele origin: germline. Affected: yes. Study: VKGL Data-share Consensus. Not counted in ClinVar's aggregate classification.

Joint Genome Diagnostic Labs from Nijmegen and Maastricht, Radboudumc and MUMC+
Classification: Uncertain significance. Review status: no assertion criteria provided. Collection method: clinical testing. Allele origin: germline. Affected: yes. Study: VKGL Data-share Consensus. Not counted in ClinVar's aggregate classification.

Literature cited by the submitters: PubMed 22449572 (cited by Labcorp Genetics (formerly Invitae), Labcorp); PubMed 23499370 (cited by Labcorp Genetics (formerly Invitae), Labcorp); PubMed 26593885 (cited by Labcorp Genetics (formerly Invitae), Labcorp); PubMed 27030965 (cited by Labcorp Genetics (formerly Invitae), Labcorp); PubMed 28041643 (cited by Labcorp Genetics (formerly Invitae), Labcorp).